The following is an entry in ClinVar:

NM_001386140.1(MTTP):c.696_697del (p.Glu233fs)

Gene: MTTP (microsomal triglyceride transfer protein; plus strand). Cytogenetic location: 4q23.
Variant type: Deletion.
Coding change: c.696_697del on transcript NM_001386140.1 (MANE Select); coding-DNA positions 696 to 697, 2 bases deleted (TG; older notation c.696_697delTG).
Protein change: p.Glu233fs; shifts the reading frame from glutamic acid 233.
Molecular consequence: frameshift variant.
Genome position (GRCh38, 1-based): chr4:99,591,728-99,591,729, TG deleted. VCF-style (leftmost placement, unchanged base first): chr4-99591727-CTG-C. GRCh37 (hg19) VCF-style: chr4-100512884-CTG-C.
Other names: c.696_697del, p.Glu233fs (NM_000253.4); c.447_448del, p.Glu150fs (NM_001300785.2); short protein forms E150fs, E233fs.
Identifiers: ClinVar variation 1724038 (VCV001724038.2), dbSNP rs2476107722, ClinGen allele CA2580071891.
Genomic context (GRCh38, chr4:99,591,727, plus strand): 5'-CAAAAGCTACATCTGTCACCACCTATAAGATAGAAGACAGCTTTGTTATAGCTGTGCTTG[CTG>C]AAGAAACACACAATTTTGGACTGAATTTCCTACAAACCATTAAGGGGAAAATAGTATCGA-3'

ClinVar aggregate classification (germline): Likely pathogenic (1 of 4 stars; one submission).

Conditions:
Abetalipoproteinaemia (ABL). Also called: Abetalipoproteinemia; Abetalipoproteinemia neuropathy; Apolipoprotein B deficiency; Congenital betalipoprotein deficiency syndrome; MTP DEFICIENCY. Identifiers: Orphanet 14, MedGen C0000744, MONDO:0008692, OMIM 200100, HP:0008181.

Submission:

Myriad Genetics, Inc.
Classification: Likely pathogenic for Abetalipoproteinaemia. Last evaluated: 2022-01-24. Review status: criteria provided, single submitter. Criteria: Myriad Women's Health Autosomal Recessive and X-Linked Classification Criteria (2021). Collection method: clinical testing. Allele origin: unknown.
Comment: NM_000253.2(MTTP):c.696_697delTG(E233Rfs*14) is expected to be pathogenic in the context of abetalipoproteinemia. This variant is predicted to lead to an abnormal or absent protein product due to the creation of a premature termination codon in MTTP, a gene where loss-of-function variants are known to be pathogenic. Please note: this variant was assessed in the context of healthy population screening.